The following is an entry in ClinVar:

NM_001904.4(CTNNB1):c.1004A>C (p.Lys335Thr)

Gene: CTNNB1 (catenin beta 1; plus strand). Cytogenetic location: 3p22.1.
Variant type: single nucleotide variant.
Coding change: c.1004A>C on transcript NM_001904.4 (MANE Select); coding-DNA position 1004, A replaced by C.
Protein change: p.Lys335Thr; replaces lysine 335 with threonine.
Molecular consequence: missense variant.
Genome position (GRCh38, 1-based): chr3:41,227,275, A>C. VCF-style: chr3-41227275-A-C. GRCh37 (hg19) VCF-style: chr3-41268766-A-C.
Other names: c.1004A>C, p.Lys335Thr (NM_001098209.2, NM_001098210.2, NM_001438871.1 and 4 more transcripts); c.983A>C, p.Lys328Thr (NM_001330729.2); short protein forms K328T, K335T.
Identifiers: ClinVar variation 4530143 (VCV004530143.1).
Genomic context (GRCh38, chr3:41,227,275, plus strand): 5'-TACTGGCTAGTGGTGGACCCCAAGCTTTAGTAAATATAATGAGGACCTATACTTACGAAA[A>C]ACTACTGTGGACCACAAGCAGAGTGCTGAAGGTGCTATCTGTCTGCTCTAGTAATAAGCC-3'
Protein context (NP_001895.1, residues 325-345): VNIMRTYTYE[Lys335Thr]LLWTTSRVLK

ClinVar aggregate classification (somatic clinical impact): Tier II - Potential (1 of 4 stars; one submission).

Conditions:
Malignant peripheral nerve sheath tumor. Identifiers: Orphanet 3148, MedGen C0751690, MONDO:0017827, HP:0100697.

Submission:

Institute for Genomic Medicine (IGM) Clinical Laboratory, Nationwide Children's Hospital
Classification: Tier II - Potential for Malignant peripheral nerve sheath tumor. Assertion type: diagnostic. Clinical significance: supports diagnosis. Last evaluated: 2025-01-06. Review status: criteria provided, single submitter. Criteria: AMP/ASCO/CAP Guidelines, 2017. Collection method: clinical testing. Allele origin: somatic. Affected: yes.
Comment: Variant has Tier II (potential) clinical significance as a diagnostic inclusion criterion in malignant peripheral nerve sheath tumor, based on the following evidence: 1) Documented in one or more cancer databases (e.g., St. Jude Pecan, COSMIC, CIViC, OncoKB). 2) Information in the literature supports potential biologic effect of variant (PMIDs: 31857074, 15579438, 24735922). 3) Assists in diagnosis alone or along with other biomarkers based on small studies or few case reports (Evidence Level D; PMIDs: 28069929, 28726821).

Literature cited by the submitters: PubMed 31857074; PubMed 15579438; PubMed 24735922; PubMed 28069929; PubMed 28726821.